The following is an entry in ClinVar:

ClinVar aggregate classification (germline): Likely benign (1 of 4 stars; one submission).

gnomAD v4.1: 1,094 of 1,614,082 alleles (0.068%); highest among the groups gnomAD compares: African/African-American, 1.3%; 3 homozygotes.

Submission:

CeGaT Center for Human Genetics Tuebingen
Classification: Likely benign. Last evaluated: 2026-06-01. Review status: criteria provided, single submitter. Criteria: CeGaT Center For Human Genetics Tuebingen Variant Classification Criteria Version 2. Collection method: clinical testing. Allele origin: germline. Affected: yes. Observed: 1 variant allele.
Comment: PDZD8: BP4, BS1

NM_173791.5(PDZD8):c.2409C>A (p.His803Gln)

Gene: PDZD8 (PDZ domain containing 8; minus strand). Cytogenetic location: 10q25.3.
Variant type: single nucleotide variant.
Coding change: c.2409C>A on transcript NM_173791.5 (MANE Select); coding-DNA position 2409, C replaced by A.
Protein change: p.His803Gln; replaces histidine 803 with glutamine.
Molecular consequence: missense variant.
Genome position (GRCh38, 1-based): chr10:117,284,324, G>T on the plus strand (C>A on the coding strand, the complement: PDZD8 is on the minus strand). VCF-style: chr10-117284324-G-T. GRCh37 (hg19) VCF-style: chr10-119043835-G-T.
Other names: short protein forms H803Q.
Identifiers: ClinVar variation 4872491 (VCV004872491.2).